The following is an entry in ClinVar:

ClinVar aggregate classification (germline): Uncertain significance. Review status: criteria provided, multiple submitters, no conflicts (2 of 4 stars). 2 submissions from 2 submitters: Uncertain significance (2). Last evaluated 2025-12-02.

Conditions:
Autoimmune lymphoproliferative syndrome type 1. Also called: AUTOIMMUNE LYMPHOPROLIFERATIVE SYNDROME, TYPE I, AUTOSOMAL DOMINANT. Identifiers: Orphanet 3261, MedGen C2717884, MONDO:0011158, OMIM 601859.

Allele frequency attached by ClinVar (database versions not stated): gnomAD 0.00001.

Submissions (2):

Ambry Genetics
Classification: Uncertain significance. Last evaluated: 2025-12-02. Review status: criteria provided, single submitter. Criteria: Ambry Variant Classification Scheme 2023. Collection method: clinical testing. Allele origin: germline.

Labcorp Genetics (formerly Invitae), Labcorp
Classification: Uncertain significance for Autoimmune lymphoproliferative syndrome. Last evaluated: 2023-11-04. Review status: criteria provided, single submitter. Criteria: Invitae Variant Classification Sherloc (09022015). Collection method: clinical testing. Allele origin: germline.
Comment: This sequence change replaces proline, which is neutral and non-polar, with leucine, which is neutral and non-polar, at codon 137 of the FASLG protein (p.Pro137Leu). This variant is present in population databases (rs763631988, gnomAD 0.03%). This variant has not been reported in the literature in individuals affected with FASLG-related conditions. Advanced modeling of protein sequence and biophysical properties (such as structural, functional, and spatial information, amino acid conservation, physicochemical variation, residue mobility, and thermodynamic stability) performed at Invitae indicates that this missense variant is not expected to disrupt FASLG protein function with a negative predictive value of 80%. In summary, the available evidence is currently insufficient to determine the role of this variant in disease. Therefore, it has been classified as a Variant of Uncertain Significance.

NM_000639.3(FASLG):c.410C>T (p.Pro137Leu)

Gene: FASLG (Fas ligand; plus strand). Cytogenetic location: 1q24.3.
Variant type: single nucleotide variant.
Coding change: c.410C>T on transcript NM_000639.3 (MANE Select); coding-DNA position 410, C replaced by T.
Protein change: p.Pro137Leu; replaces proline 137 with leucine.
Molecular consequence: missense variant.
Genome position (GRCh38, 1-based): chr1:172,664,349, C>T. VCF-style: chr1-172664349-C-T. GRCh37 (hg19) VCF-style: chr1-172633489-C-T.
Other names: c.364C>T, p.Pro122Ser (NM_001302746.2); short protein forms P122S, P137L.
Identifiers: ClinVar variation 2715868 (VCV002715868.3), dbSNP rs763631988, ClinGen allele CA1247558.